The following is an entry in ClinVar:

NM_021098.3(CACNA1H):c.4588T>C (p.Trp1530Arg)

Gene: CACNA1H (calcium voltage-gated channel subunit alpha1 H; plus strand). Cytogenetic location: 16p13.3.
Variant type: single nucleotide variant.
Coding change: c.4588T>C on transcript NM_021098.3 (MANE Select); coding-DNA position 4588, T replaced by C.
Protein change: p.Trp1530Arg; replaces tryptophan 1530 with arginine.
Molecular consequence: missense variant.
Genome position (GRCh38, 1-based): chr16:1,211,967, T>C. VCF-style: chr16-1211967-T-C. GRCh37 (hg19) VCF-style: chr16-1261967-T-C.
Other names: c.4588T>C, p.Trp1530Arg (NM_001005407.2); short protein forms W1530R.
Identifiers: ClinVar variation 1513325 (VCV001513325.6), dbSNP rs1969502459, ClinGen allele CA394180609.

ClinVar aggregate classification (germline): Uncertain significance (1 of 4 stars; one submission).

Conditions:
Idiopathic generalized epilepsy. Also called: Generalised epilepsy; EIG. Identifiers: MedGen C0270850, MONDO:0005579, OMIM 600669.
Hyperaldosteronism, familial, type IV (HALD4). Also called: FH IV; ALDOSTERONISM, PRIMARY, AND HYPERTENSION. Identifiers: Orphanet 642671, MedGen C4310756, MONDO:0014875, OMIM 617027.

Allele frequency attached by ClinVar (database versions not stated): TOPMed below 0.00001.
gnomAD v4.1: 6 of 1,613,462 alleles (0.00037%); highest among the groups gnomAD compares: Non-Finnish European, 0.00051%; no homozygotes.

Submission:

Labcorp Genetics (formerly Invitae), Labcorp
Classification: Uncertain significance for Idiopathic generalized epilepsy; Hyperaldosteronism, familial, type IV. Last evaluated: 2021-08-21. Review status: criteria provided, single submitter. Criteria: Invitae Variant Classification Sherloc (09022015). Collection method: clinical testing. Allele origin: germline.
Comment: This variant has not been reported in the literature in individuals affected with CACNA1H-related conditions. This variant is not present in population databases (ExAC no frequency). This sequence change replaces tryptophan with arginine at codon 1530 of the CACNA1H protein (p.Trp1530Arg). The tryptophan residue is highly conserved and there is a moderate physicochemical difference between tryptophan and arginine. Advanced modeling of protein sequence and biophysical properties (such as structural, functional, and spatial information, amino acid conservation, physicochemical variation, residue mobility, and thermodynamic stability) performed at Invitae indicates that this missense variant is expected to disrupt CACNA1H protein function. In summary, the available evidence is currently insufficient to determine the role of this variant in disease. Therefore, it has been classified as a Variant of Uncertain Significance.